The following is an entry in ClinVar:

ClinVar aggregate classification (germline): Benign/Likely benign. Review status: criteria provided, multiple submitters, no conflicts (2 of 4 stars). 2 submissions from 2 submitters: Benign (1); Likely benign (1). Last evaluated 2026-06-02.

Conditions:
Renal hypomagnesemia 6. Identifiers: Orphanet 34527, MedGen C3151295, MONDO:0013480, OMIM 613882.

Allele frequency attached by ClinVar (database versions not stated): TOPMed 0.00005; gnomAD 0.00006 and 0.00014; gnomAD exomes 0.00014; 1000 Genomes Project 0.00060; 1000 Genomes Project 30x 0.00062.
gnomAD v4.1: 22 of 159,692 alleles (0.014%); highest among the groups gnomAD compares: East Asian, 0.35%; no homozygotes.

Submissions (2):

Revvity Omics, Revvity
Classification: Likely benign. Last evaluated: 2026-06-02. Review status: criteria provided, single submitter. Criteria: ACMG Guidelines, 2015. Collection method: clinical testing. Allele origin: germline.

Illumina Laboratory Services, Illumina
Classification: Benign for Renal hypomagnesemia 6. Last evaluated: 2018-01-12. Review status: criteria provided, single submitter. Criteria: ICSL Variant Classification Criteria 13 December 2019. Collection method: clinical testing. Allele origin: germline.
Comment: This variant was observed in the ICSL laboratory as part of a predisposition screen in an ostensibly healthy population. It had not been previously curated by ICSL or reported in the Human Gene Mutation Database (HGMD: prior to June 1st, 2018), and was therefore a candidate for classification through an automated scoring system. Utilizing variant allele frequency, disease prevalence and penetrance estimates, and inheritance mode, an automated score was calculated to assess if this variant is too frequent to cause the disease. Based on the score and internal cut-off values, a variant classified as benign is not then subjected to further curation. The score for this variant resulted in a classification of benign for this disease.

NM_017649.5(CNNM2):c.*455C>T

Gene: CNNM2 (cyclin and CBS domain divalent metal cation transport mediator 2; plus strand). Cytogenetic location: 10q24.32.
Variant type: single nucleotide variant.
Coding change: c.*455C>T on transcript NM_017649.5 (MANE Select); 455 bases downstream of the stop codon, C replaced by T.
Molecular consequence: 3 prime UTR variant.
Genome position (GRCh38, 1-based): chr10:103,077,635, C>T. VCF-style: chr10-103077635-C-T. GRCh37 (hg19) VCF-style: chr10-104837392-C-T.
Other names: c.*455C>T (NM_199076.3).
Identifiers: ClinVar variation 298656 (VCV000298656.6), dbSNP rs3740389, ClinGen allele CA10627968.
Genomic context (GRCh38, chr10:103,077,635, plus strand): 5'-TTCTGTCTGAACTCTGCTGTGATCCCATGATGTGACCCTGATGGGCTGGACTTGCCCCTC[C>T]GGTAGCCTTCCTTGGCCCTCCCAGCGAGGGGCACCCTTCCTCTGTGCCCCAGTGGGCATC-3'